The following is an entry in ClinVar:

ClinVar aggregate classification (germline): Likely benign (0 of 4 stars; one submission).

Conditions:
NCOR2-related disorder. Also called: NCOR2-related condition.

Allele frequency attached by ClinVar (database versions not stated): gnomAD 0.00068; TOPMed 0.00076; ESP Exome Variant Server 0.00077; ExAC 0.00081; gnomAD exomes 0.00126.
gnomAD v4.1: 1,917 of 1,613,376 alleles (0.12%); highest among the groups gnomAD compares: Non-Finnish European, 0.15%; 1 homozygote.

Submission:

PreventionGenetics, part of Exact Sciences
Classification: Likely benign for NCOR2-related condition. Last evaluated: 2019-10-28. Review status: no assertion criteria provided. Collection method: clinical testing. Allele origin: germline.
Comment: This variant is classified as likely benign based on ACMG/AMP sequence variant interpretation guidelines (Richards et al. 2015 PMID: 25741868, with internal and published modifications).

NM_006312.6(NCOR2):c.3741C>T (p.Ile1247=)

Gene: NCOR2 (nuclear receptor corepressor 2; minus strand). Cytogenetic location: 12q24.31.
Variant type: single nucleotide variant.
Coding change: c.3741C>T on transcript NM_006312.6 (MANE Select); coding-DNA position 3741, C replaced by T.
Protein change: p.Ile1247=; no amino-acid change (isoleucine 1247 retained).
Molecular consequence: synonymous variant.
Genome position (GRCh38, 1-based): chr12:124,350,690, G>A on the plus strand (C>T on the coding strand, the complement: NCOR2 is on the minus strand). VCF-style: chr12-124350690-G-A. GRCh37 (hg19) VCF-style: chr12-124835236-G-A.
Other names: c.3711C>T, p.Ile1237= (NM_001077261.4, NM_001206654.2).
Identifiers: ClinVar variation 3049938 (VCV003049938.2), dbSNP rs200255340, ClinGen allele CA6868516.